The following is an entry in ClinVar:

NM_020207.7(ERCC6L2):c.1558T>C (p.Cys520Arg)

Gene: ERCC6L2 (ERCC excision repair 6 like 2; plus strand). Cytogenetic location: 9q22.32.
Variant type: single nucleotide variant.
Coding change: c.1558T>C on transcript NM_020207.7 (MANE Select); coding-DNA position 1558, T replaced by C.
Protein change: p.Cys520Arg; replaces cysteine 520 with arginine.
Molecular consequence: missense variant. On other transcripts: non-coding transcript variant (1).
Genome position (GRCh38, 1-based): chr9:95,928,103, T>C. VCF-style: chr9-95928103-T-C. GRCh37 (hg19) VCF-style: chr9-98690385-T-C.
Other names: c.1558T>C, p.Cys520Arg (NM_001010895.4, NM_001375291.1, NM_001375292.1 and 2 more transcripts); short protein forms C520R.
Identifiers: ClinVar variation 4618763 (VCV004618763.2).

ClinVar aggregate classification (germline): Uncertain significance. Review status: criteria provided, multiple submitters, no conflicts (2 of 4 stars). 2 submissions from 2 submitters: Uncertain significance (2). Last evaluated 2025-11-23.

Conditions:
Inborn genetic diseases. Identifiers: MedGen C0950123, MeSH D030342.

gnomAD v4.1: 1 of 1,613,138 alleles (0.000062%); highest among the groups gnomAD compares: Non-Finnish European, 0.000085%; no homozygotes.

Submissions (2):

Labcorp Genetics (formerly Invitae), Labcorp
Classification: Uncertain significance. Last evaluated: 2025-11-23. Review status: criteria provided, single submitter. Criteria: Invitae Variant Classification Sherloc (09022015). Collection method: clinical testing. Allele origin: germline.
Comment: This sequence change replaces cysteine, which is neutral and slightly polar, with arginine, which is basic and polar, at codon 531 of the ERCC6L2 protein (p.Cys531Arg). This variant is not present in population databases (gnomAD no frequency). This variant has not been reported in the literature in individuals affected with ERCC6L2-related conditions. Experimental studies and prediction algorithms are not available or were not evaluated, and the functional significance of this variant is currently unknown. In summary, the available evidence is currently insufficient to determine the role of this variant in disease. Therefore, it has been classified as a Variant of Uncertain Significance.

Ambry Genetics
Classification: Uncertain significance for Inborn genetic diseases. Last evaluated: 2025-11-15. Review status: criteria provided, single submitter. Criteria: Ambry Variant Classification Scheme 2023. Collection method: clinical testing. Allele origin: germline.
Comment: The p.C520R variant (also known as c.1558T>C), located in coding exon 10 of the ERCC6L2 gene, results from a T to C substitution at nucleotide position 1558. The cysteine at codon 520 is replaced by arginine, an amino acid with highly dissimilar properties. This amino acid position is conserved. In addition, the in silico prediction for this alteration is inconclusive. Based on the available evidence, the clinical significance of this variant remains unclear.